The following is an entry in ClinVar:

ClinVar aggregate classification (germline): Benign/Likely benign. Review status: criteria provided, multiple submitters, no conflicts (2 of 4 stars). 10 submissions from 9 submitters: Benign (5); Likely benign (4). 1 of the submissions does not count toward it. Last evaluated 2026-08-01.

Conditions:
Chondrocalcinosis 2. Also called: Familial calcium pyrophosphate deposition; CALCIUM GOUT; CALCIUM PYROPHOSPHATE ARTHROPATHY. Identifiers: Orphanet 1416, MedGen C0856830, MONDO:0007319, OMIM 118600.
ANKH-related disorder. Also called: ANKH-related condition; ANKH-Related Disorders.
Craniometaphyseal dysplasia, autosomal dominant (CMDD). Identifiers: Orphanet 1522, MedGen C1852502, MONDO:0007397, OMIM 123000.

Allele frequency attached by ClinVar (database versions not stated): 1000 Genomes Project 0.00180; 1000 Genomes Project 30x 0.00203; gnomAD exomes 0.00308 and 0.00540; ExAC 0.00312; gnomAD 0.00329 and 0.00334; TOPMed 0.00349; ESP Exome Variant Server 0.00561.
gnomAD v4.1: 8,360 of 1,614,150 alleles (0.52%); highest among the groups gnomAD compares: Non-Finnish European, 0.65%; 38 homozygotes.

Submissions (10):

CeGaT Center for Human Genetics Tuebingen
Classification: Likely benign. Last evaluated: 2026-08-01. Review status: criteria provided, single submitter. Criteria: CeGaT Center For Human Genetics Tuebingen Variant Classification Criteria Version 2. Collection method: clinical testing. Allele origin: germline. Affected: yes. Observed: 17 variant alleles.
Comment: ANKH: BP4, BS2

Labcorp Genetics (formerly Invitae), Labcorp
Classification: Benign. Last evaluated: 2026-01-02. Review status: criteria provided, single submitter. Criteria: Invitae Variant Classification Sherloc (09022015). Collection method: clinical testing. Allele origin: germline.

Blueprint Genetics
Classification: Likely benign. Last evaluated: 2024-11-23. Review status: criteria provided, single submitter. Criteria: ACMG Guidelines, 2015. Collection method: clinical testing. Allele origin: germline.

Genome-Nilou Lab
Classification: Benign for Craniometaphyseal dysplasia, autosomal dominant. Last evaluated: 2021-12-05. Review status: criteria provided, single submitter. Criteria: ACMG Guidelines, 2015. Collection method: clinical testing. Allele origin: germline. Affected: no.

GeneDx
Classification: Likely benign. Last evaluated: 2021-04-06. Review status: criteria provided, single submitter. Criteria: GeneDx Variant Classification Process June 2021. Collection method: clinical testing. Allele origin: germline. Affected: yes.
Comment: This variant is associated with the following publications: (PMID: 29632382, 30297969)

Illumina Laboratory Services, Illumina
Classification: Benign for Chondrocalcinosis 2. Last evaluated: 2018-01-12. Review status: criteria provided, single submitter. Criteria: ICSL Variant Classification Criteria 13 December 2019. Collection method: clinical testing. Allele origin: germline.
Comment: This variant was observed in the ICSL laboratory as part of a predisposition screen in an ostensibly healthy population. It had not been previously curated by ICSL or reported in the Human Gene Mutation Database (HGMD: prior to June 1st, 2018), and was therefore a candidate for classification through an automated scoring system. Utilizing variant allele frequency, disease prevalence and penetrance estimates, and inheritance mode, an automated score was calculated to assess if this variant is too frequent to cause the disease. Based on the score and internal cut-off values, a variant classified as benign is not then subjected to further curation. The score for this variant resulted in a classification of benign for this disease.

Illumina Laboratory Services, Illumina
Classification: Benign for Craniometaphyseal dysplasia, autosomal dominant. Last evaluated: 2018-01-12. Review status: criteria provided, single submitter. Criteria: ICSL Variant Classification Criteria 13 December 2019. Collection method: clinical testing. Allele origin: germline.
Comment: the same text as in the submission from Illumina Laboratory Services, Illumina above.

Eurofins Ntd Llc (ga)
Classification: Benign. Last evaluated: 2016-11-10. Review status: criteria provided, single submitter. Criteria: EGL Classification Definitions 2015. Collection method: clinical testing. Allele origin: germline. Observed: 1 variant allele, 1 heterozygote.

Breakthrough Genomics
Classification: Likely benign. Review status: criteria provided, single submitter. Criteria: ACMG Guidelines, 2015. Collection method: not provided. Allele origin: germline. Inheritance: Autosomal dominant inheritance. Affected: yes.

PreventionGenetics, part of Exact Sciences
Classification: Likely benign for ANKH-related condition. Last evaluated: 2019-05-04. Review status: no assertion criteria provided. Collection method: clinical testing. Allele origin: germline. Not counted in ClinVar's aggregate classification.
Comment: This variant is classified as likely benign based on ACMG/AMP sequence variant interpretation guidelines (Richards et al. 2015 PMID: 25741868, with internal and published modifications).

NM_054027.6(ANKH):c.560G>A (p.Arg187Gln)

Gene: ANKH (ANKH inorganic pyrophosphate transport regulator; minus strand). Cytogenetic location: 5p15.2.
Variant type: single nucleotide variant.
Coding change: c.560G>A on transcript NM_054027.6 (MANE Select); coding-DNA position 560, G replaced by A.
Protein change: p.Arg187Gln; replaces arginine 187 with glutamine.
Molecular consequence: missense variant.
Genome position (GRCh38, 1-based): chr5:14,751,196, C>T on the plus strand (G>A on the coding strand, the complement: ANKH is on the minus strand). VCF-style: chr5-14751196-C-T. GRCh37 (hg19) VCF-style: chr5-14751305-C-T.
Other names: short protein forms R187Q.
Identifiers: ClinVar variation 351544 (VCV000351544.51), dbSNP rs146886108, ClinGen allele CA3209077.